The following is an entry in ClinVar:

NM_006623.4(PHGDH):c.196G>A (p.Ala66Thr)

Gene: PHGDH (phosphoglycerate dehydrogenase; plus strand). Cytogenetic location: 1p12.
Variant type: single nucleotide variant.
Coding change: c.196G>A on transcript NM_006623.4 (MANE Select); coding-DNA position 196, G replaced by A.
Protein change: p.Ala66Thr; replaces alanine 66 with threonine.
Molecular consequence: missense variant.
Genome position (GRCh38, 1-based): chr1:119,721,227, G>A. VCF-style: chr1-119721227-G-A. GRCh37 (hg19) VCF-style: chr1-120263850-G-A.
Other names: short protein forms A66T.
Identifiers: ClinVar variation 2156841 (VCV002156841.2), dbSNP rs1032334849, ClinGen allele CA30246808.

ClinVar aggregate classification (germline): Uncertain significance. Review status: criteria provided, multiple submitters, no conflicts (2 of 4 stars). 2 submissions from 2 submitters: Uncertain significance (2). Last evaluated 2025-08-13.

Conditions:
Neurometabolic disorder due to serine deficiency. Identifiers: Orphanet 35705, MedGen C5680148, MONDO:0018162.
PHGDH deficiency. Identifiers: Orphanet 79351, MedGen C1866174, MONDO:0011152, OMIM 601815.

Allele frequency attached by ClinVar (database versions not stated): gnomAD 0.00001; gnomAD exomes 0.00001; TOPMed 0.00002.

Submissions (2):

Myriad Genetics, Inc.
Classification: Uncertain significance for Neurometabolic disorder due to serine deficiency. Last evaluated: 2025-08-13. Review status: criteria provided, single submitter. Criteria: Myriad Autosomal Dominant, Autosomal Recessive and X-Linked Classification Criteria (2023). Collection method: clinical testing. Allele origin: unknown.
Comment: NM_006623.3(PHGDH):c.196G>A(A66T) is a missense variant classified as a variant of uncertain significance in the context of serine deficiency disorder, PHGDH-related. A66T has been observed in a case with relevant disease (PMID: 33565074). Relevant functional assessments of this variant are not available in the literature. A66T has been observed in referenced population frequency databases. In summary, there is insufficient evidence to classify NM_006623.3(PHGDH):c.196G>A(A66T) as pathogenic or benign. Please note: this variant was assessed in the context of healthy population screening.

Labcorp Genetics (formerly Invitae), Labcorp
Classification: Uncertain significance for PHGDH deficiency. Last evaluated: 2022-02-05. Review status: criteria provided, single submitter. Criteria: Invitae Variant Classification Sherloc (09022015). Collection method: clinical testing. Allele origin: germline.
Comment: This sequence change replaces alanine, which is neutral and non-polar, with threonine, which is neutral and polar, at codon 66 of the PHGDH protein (p.Ala66Thr). This variant is present in population databases (no rsID available, gnomAD 0.006%). This variant has not been reported in the literature in individuals affected with PHGDH-related conditions. Algorithms developed to predict the effect of missense changes on protein structure and function (SIFT, PolyPhen-2, Align-GVGD) all suggest that this variant is likely to be tolerated. In summary, the available evidence is currently insufficient to determine the role of this variant in disease. Therefore, it has been classified as a Variant of Uncertain Significance.

Literature cited by the submitters: PubMed 33565074 (cited by Myriad Genetics, Inc.).